The following is an entry in ClinVar:

ClinVar aggregate classification (germline): Uncertain significance (1 of 4 stars; one submission).

gnomAD v4.1: 3 of 1,610,096 alleles (0.00019%); highest among the groups gnomAD compares: Non-Finnish European, 0.00025%; no homozygotes.

Submission:

Labcorp Genetics (formerly Invitae), Labcorp
Classification: Uncertain significance. Last evaluated: 2023-11-12. Review status: criteria provided, single submitter. Criteria: Invitae Variant Classification Sherloc (09022015). Collection method: clinical testing. Allele origin: germline.
Comment: This sequence change replaces serine, which is neutral and polar, with glycine, which is neutral and non-polar, at codon 1247 of the KAT6A protein (p.Ser1247Gly). This variant is not present in population databases (gnomAD no frequency). This variant has not been reported in the literature in individuals affected with KAT6A-related conditions. Advanced modeling of protein sequence and biophysical properties (such as structural, functional, and spatial information, amino acid conservation, physicochemical variation, residue mobility, and thermodynamic stability) performed at Invitae indicates that this missense variant is not expected to disrupt KAT6A protein function with a negative predictive value of 80%. In summary, the available evidence is currently insufficient to determine the role of this variant in disease. Therefore, it has been classified as a Variant of Uncertain Significance.

NM_006766.5(KAT6A):c.3739A>G (p.Ser1247Gly)

Gene: KAT6A (lysine acetyltransferase 6A; minus strand). Cytogenetic location: 8p11.21.
Variant type: single nucleotide variant.
Coding change: c.3739A>G on transcript NM_006766.5 (MANE Select); coding-DNA position 3739, A replaced by G.
Protein change: p.Ser1247Gly; replaces serine 1247 with glycine.
Molecular consequence: missense variant.
Genome position (GRCh38, 1-based): chr8:41,934,481, T>C on the plus strand (A>G on the coding strand, the complement: KAT6A is on the minus strand). VCF-style: chr8-41934481-T-C. GRCh37 (hg19) VCF-style: chr8-41791999-T-C.
Other names: short protein forms S1247G.
Identifiers: ClinVar variation 2695253 (VCV002695253.3), dbSNP rs2150856849, ClinGen allele CA371068486.
Genomic context (GRCh38, chr8:41,934,481, plus strand): 5'-CCTTGGTTTCGGTCTCAGGACTATTGCTGCTGTCTGCTGGAGAGGCTGCTGGGACTTCAC[T>C]GCTGGCTGCATCCTCTTCCTCACCCTCTTCAGCCTCTTCTGCCTCTGCTTGCATCTCCTC-3'
Protein context (NP_006757.2, residues 1237-1257): EEGEEEDAAS[Ser1247Gly]EVPAASPADS